The following is an entry in ClinVar:

ClinVar aggregate classification (germline): Likely benign (1 of 4 stars; one submission).

Submission:

CeGaT Center for Human Genetics Tuebingen
Classification: Likely benign. Last evaluated: 2025-04-01. Review status: criteria provided, single submitter. Criteria: CeGaT Center For Human Genetics Tuebingen Variant Classification Criteria Version 2. Collection method: clinical testing. Allele origin: germline. Affected: yes. Observed: 1 variant allele.
Comment: P2RY11: BP4, BP7; PPAN-P2RY11: BP4, BP7

NM_002566.5(P2RY11):c.1014C>T (p.Tyr338=)

Genes: P2RY11 (purinergic receptor P2Y11; plus strand), PPAN-P2RY11 (PPAN-P2RY11 readthrough; plus strand). Cytogenetic location: 19p13.2.
Variant type: single nucleotide variant.
Coding change: c.1014C>T on transcript NM_002566.5 (MANE Select); coding-DNA position 1014, C replaced by T.
Protein change: p.Tyr338=; no amino-acid change (tyrosine 338 retained).
Molecular consequence: synonymous variant. On other transcripts: 3 prime UTR variant (1).
Genome position (GRCh38, 1-based): chr19:10,114,627, C>T. VCF-style: chr19-10114627-C-T. GRCh37 (hg19) VCF-style: chr19-10225303-C-T.
Other names: c.2274C>T, p.Tyr758= (NM_001040664.3); c.*773C>T (NM_001198690.2).
Identifiers: ClinVar variation 3898204 (VCV003898204.7).